The following is an entry in ClinVar:

ClinVar aggregate classification (germline): Uncertain significance. Review status: criteria provided, multiple submitters, no conflicts (2 of 4 stars). 2 submissions from 2 submitters: Uncertain significance (2). Last evaluated 2025-06-25.

Conditions:
Hereditary cancer-predisposing syndrome. Also called: Hereditary neoplastic syndrome; Neoplastic Syndromes, Hereditary; Tumor predisposition; Hereditary Cancer Syndrome. Identifiers: Orphanet 140162, MedGen C0027672, MeSH D009386, MONDO:0015356.
Hereditary diffuse gastric adenocarcinoma (HDGC). Also called: DIFFUSE GASTRIC AND LOBULAR BREAST CANCER SYNDROME. Identifiers: Orphanet 26106, MedGen C1708349, MONDO:0007648, OMIM 137215.

Submissions (2):

Labcorp Genetics (formerly Invitae), Labcorp
Classification: Uncertain significance for Hereditary diffuse gastric adenocarcinoma. Last evaluated: 2025-06-25. Review status: criteria provided, single submitter. Criteria: Invitae Variant Classification Sherloc (09022015). Collection method: clinical testing. Allele origin: germline.
Comment: This sequence change replaces aspartic acid, which is acidic and polar, with glycine, which is neutral and non-polar, at codon 443 of the CDH1 protein (p.Asp443Gly). This variant is not present in population databases (gnomAD no frequency). This variant has not been reported in the literature in individuals affected with CDH1-related conditions. ClinVar contains an entry for this variant (Variation ID: 483272). An algorithm developed to predict the effect of missense changes on protein structure and function (PolyPhen-2) suggests that this variant is likely to be disruptive. In summary, the available evidence is currently insufficient to determine the role of this variant in disease. Therefore, it has been classified as a Variant of Uncertain Significance.

Ambry Genetics
Classification: Uncertain significance for Hereditary cancer-predisposing syndrome. Last evaluated: 2023-08-25. Review status: criteria provided, single submitter. Criteria: Ambry Variant Classification Scheme 2023. Collection method: clinical testing. Allele origin: germline.
Comment: The p.D443G variant (also known as c.1328A>G), located in coding exon 10 of the CDH1 gene, results from an A to G substitution at nucleotide position 1328. The aspartic acid at codon 443 is replaced by glycine, an amino acid with similar properties. This amino acid position is well conserved in available vertebrate species. In addition, this alteration is predicted to be deleterious by in silico analysis. Since supporting evidence is limited at this time, the clinical significance of this alteration remains unclear.

NM_004360.5(CDH1):c.1328A>G (p.Asp443Gly)

Gene: CDH1 (cadherin 1; plus strand). Cytogenetic location: 16q22.1.
Variant type: single nucleotide variant.
Coding change: c.1328A>G on transcript NM_004360.5 (MANE Select); coding-DNA position 1328, A replaced by G.
Protein change: p.Asp443Gly; replaces aspartic acid 443 with glycine.
Molecular consequence: missense variant. On other transcripts: 5 prime UTR variant (2).
Genome position (GRCh38, 1-based): chr16:68,815,522, A>G. VCF-style: chr16-68815522-A-G. GRCh37 (hg19) VCF-style: chr16-68849425-A-G.
Other names: c.1328A>G (LRG_301t1); c.1145A>G, p.Asp382Gly (NM_001317184.2); c.-221A>G (NM_001317185.2); c.-492A>G (NM_001317186.2); short protein forms D443G, D382G.
Identifiers: ClinVar variation 483272 (VCV000483272.12), dbSNP rs1555516083, ClinGen allele CA396462666.